The following is an entry in ClinVar:

ClinVar aggregate classification (germline): Uncertain significance (1 of 4 stars; one submission).

Conditions:
Osteogenesis imperfecta type I (OI1). Also called: OI, TYPE I; OSTEOGENESIS IMPERFECTA TARDA; OSTEOGENESIS IMPERFECTA WITH BLUE SCLERAE; Osteogenesis imperfecta type 1; Lobstein's Disease; Lobstein disease. Identifiers: Orphanet 216796, Orphanet 666, MedGen C0023931, MONDO:0008146, OMIM 166200. Disease mechanism: loss of function.

gnomAD v4.1: 29 of 1,612,464 alleles (0.0018%); highest among the groups gnomAD compares: Non-Finnish European, 0.0025%; no homozygotes.

Submission:

Labcorp Genetics (formerly Invitae), Labcorp
Classification: Uncertain significance for Osteogenesis imperfecta type I. Last evaluated: 2025-12-15. Review status: criteria provided, single submitter. Criteria: Invitae Variant Classification Sherloc (09022015). Collection method: clinical testing. Allele origin: germline.
Comment: This sequence change replaces arginine, which is basic and polar, with glycine, which is neutral and non-polar, at codon 796 of the COL1A1 protein (p.Arg796Gly). This variant is present in population databases (rs751890158, gnomAD 0.002%). This variant has not been reported in the literature in individuals affected with COL1A1-related conditions. Invitae Evidence Modeling of protein sequence and biophysical properties (such as structural, functional, and spatial information, amino acid conservation, physicochemical variation, residue mobility, and thermodynamic stability) indicates that this missense variant is expected to disrupt COL1A1 protein function with a positive predictive value of 95%. In summary, the available evidence is currently insufficient to determine the role of this variant in disease. Therefore, it has been classified as a Variant of Uncertain Significance.

NM_000088.4(COL1A1):c.2386C>G (p.Arg796Gly)

Gene: COL1A1 (collagen type I alpha 1 chain; minus strand). Cytogenetic location: 17q21.33.
Variant type: single nucleotide variant.
Coding change: c.2386C>G on transcript NM_000088.4 (MANE Select); coding-DNA position 2386, C replaced by G.
Protein change: p.Arg796Gly; replaces arginine 796 with glycine.
Molecular consequence: missense variant.
Genome position (GRCh38, 1-based): chr17:50,190,554, G>C on the plus strand (C>G on the coding strand, the complement: COL1A1 is on the minus strand). VCF-style: chr17-50190554-G-C. GRCh37 (hg19) VCF-style: chr17-48267915-G-C.
Other names: short protein forms R796G.
Identifiers: ClinVar variation 4691218 (VCV004691218.1).
Genomic context (GRCh38, chr17:50,190,554, plus strand): 5'-AGGGAGGGAAGGGCCAAGTATGGGGTCTTAACAGGTCTTCTGTACTTACGGGGGCACCAC[G>C]AGCTCCAGTGGGACCAGCAGGGCCGCTGGGACCACTTTCACCCTGAGAGCAAGGGACAAG-3'
Protein context (NP_000079.2, residues 786-806): PSGPAGPTGA[Arg796Gly]GAPGDRGEPG